The following is an entry in ClinVar:

ClinVar aggregate classification (germline): Likely benign. Review status: criteria provided, multiple submitters, no conflicts (2 of 4 stars). 3 submissions from 3 submitters: Likely benign (3). Last evaluated 2026-01-13.

Conditions:
TBC1D24-related disorder. Also called: TBC1D24-related disorders; TBC1D24-related condition. Identifiers: MedGen CN381194.
Developmental and epileptic encephalopathy, 1 (DEE1). Also called: INFANTILE SPASM SYNDROME, X-LINKED 1; X-linked infantile spasms; West's syndrome; Tonic spasms with clustering, arrest of psychomotor development and hypsarrhythmia on EEG; X-Linked Infantile Spasm Syndrome; OHTAHARA SYNDROME, X-LINKED. Identifiers: MedGen C3463992, MONDO:0010632, OMIM 308350. Disease mechanism: loss of function.
Autosomal dominant nonsyndromic hearing loss 65. Also called: TBC1D24-Related Autosomal Dominant Nonsyndromic Hearing Loss (DFNA); Deafness, autosomal dominant 65. Identifiers: Orphanet 90635, MedGen C3892048, MONDO:0014470, OMIM 616044.

Allele frequency attached by ClinVar (database versions not stated): ExAC 0.00003; gnomAD 0.00003; TOPMed 0.00004; gnomAD exomes 0.00005; ESP Exome Variant Server 0.00008.

Submissions (3):

PreventionGenetics, part of Exact Sciences
Classification: Likely benign for TBC1D24-related condition. Last evaluated: 2026-01-13. Review status: criteria provided, single submitter. Criteria: ACMG Guidelines, 2015. Collection method: clinical testing. Allele origin: germline.
Comment: This variant is classified as likely benign based on ACMG/AMP sequence variant interpretation guidelines (Richards et al. 2015 PMID: 25741868, with internal and published modifications).

Labcorp Genetics (formerly Invitae), Labcorp
Classification: Likely benign for Developmental and epileptic encephalopathy, 1; Autosomal dominant nonsyndromic hearing loss 65. Last evaluated: 2025-07-20. Review status: criteria provided, single submitter. Criteria: Invitae Variant Classification Sherloc (09022015). Collection method: clinical testing. Allele origin: germline.

Blueprint Genetics
Classification: Likely benign. Last evaluated: 2023-07-31. Review status: criteria provided, single submitter. Criteria: ACMG Guidelines, 2015. Collection method: clinical testing. Allele origin: germline.

NM_001199107.2(TBC1D24):c.786G>A (p.Ser262=)

Gene: TBC1D24 (TBC1 domain family member 24; plus strand). Cytogenetic location: 16p13.3.
Variant type: single nucleotide variant.
Coding change: c.786G>A on transcript NM_001199107.2 (MANE Select); coding-DNA position 786, G replaced by A.
Protein change: p.Ser262=; no amino-acid change (serine 262 retained).
Molecular consequence: synonymous variant.
Genome position (GRCh38, 1-based): chr16:2,496,934, G>A. VCF-style: chr16-2496934-G-A. GRCh37 (hg19) VCF-style: chr16-2546935-G-A.
Other names: c.786G>A, p.Ser262= (NM_020705.3); c.786G>A (NM_001199107.1).
Identifiers: ClinVar variation 1092345 (VCV001092345.11), dbSNP rs371064617, ClinGen allele CA7844069.
Genomic context (GRCh38, chr16:2,496,934, plus strand): 5'-CGTGGCGCTGGCCATCCTCAAGTTCTTCCACAAGGTGAGGGCCGGGCAGCCGCTGGAGTC[G>A]GACAGCGTGAAGCAGGACATCCGCACGTTCGTCAGAGACATCGCGAAGACGGTGTCCCCT-3'
Protein context (NP_001186036.1, residues 252-272): HKVRAGQPLE[Ser262=]DSVKQDIRTF